The following is an entry in ClinVar:

NM_000081.4(LYST):c.3505C>A (p.Leu1169Ile)

Gene: LYST (lysosomal trafficking regulator; minus strand). Cytogenetic location: 1q42.3.
Variant type: single nucleotide variant.
Coding change: c.3505C>A on transcript NM_000081.4 (MANE Select); coding-DNA position 3505, C replaced by A.
Protein change: p.Leu1169Ile; replaces leucine 1169 with isoleucine.
Molecular consequence: missense variant.
Genome position (GRCh38, 1-based): chr1:235,804,554, G>T on the plus strand (C>A on the coding strand, the complement: LYST is on the minus strand). VCF-style: chr1-235804554-G-T. GRCh37 (hg19) VCF-style: chr1-235967854-G-T.
Other names: c.3505C>A, p.Leu1169Ile (NM_001301365.1); short protein forms L1169I.
Identifiers: ClinVar variation 2042332 (VCV002042332.2), dbSNP rs1005473771, ClinGen allele CA39615504.

ClinVar aggregate classification (germline): Uncertain significance (1 of 4 stars; one submission).

Conditions:
Chédiak-Higashi syndrome (CHS). Also called: Chediak-Higashi Syndrome. Identifiers: Orphanet 167, MedGen C0007965, MONDO:0008963, OMIM 214500.

Allele frequency attached by ClinVar (database versions not stated): gnomAD 0.00001; TOPMed 0.00002.
gnomAD v4.1: 30 of 1,613,354 alleles (0.0019%); highest among the groups gnomAD compares: Non-Finnish European, 0.0023%; no homozygotes.

Submission:

Labcorp Genetics (formerly Invitae), Labcorp
Classification: Uncertain significance for Chédiak-Higashi syndrome. Last evaluated: 2025-07-01. Review status: criteria provided, single submitter. Criteria: Invitae Variant Classification Sherloc (09022015). Collection method: clinical testing. Allele origin: germline.
Comment: This sequence change replaces leucine, which is neutral and non-polar, with isoleucine, which is neutral and non-polar, at codon 1169 of the LYST protein (p.Leu1169Ile). This variant is present in population databases (no rsID available, gnomAD 0.0009%). This variant has not been reported in the literature in individuals affected with LYST-related conditions. ClinVar contains an entry for this variant (Variation ID: 2042332). Invitae Evidence Modeling of protein sequence and biophysical properties (such as structural, functional, and spatial information, amino acid conservation, physicochemical variation, residue mobility, and thermodynamic stability) indicates that this missense variant is not expected to disrupt LYST protein function with a negative predictive value of 80%. In summary, the available evidence is currently insufficient to determine the role of this variant in disease. Therefore, it has been classified as a Variant of Uncertain Significance.